The following is an entry in ClinVar:

ClinVar aggregate classification (germline): Benign. Review status: criteria provided, multiple submitters, no conflicts (2 of 4 stars). 4 submissions from 4 submitters: Benign (3). 1 of the submissions does not count toward it. Last evaluated 2021-08-12.

Conditions:
AGO2-related disorder. Also called: AGO2-related condition.

Allele frequency attached by ClinVar (database versions not stated): 1000 Genomes Project 30x 0.67364; ESP Exome Variant Server 0.59886; gnomAD 0.61758; TOPMed 0.65199; 1000 Genomes Project 0.66973.
gnomAD v4.1: 837,555 of 1,513,356 alleles (55%); highest among the groups gnomAD compares: African/African-American, 87%; 237,217 homozygotes.

Submissions (4):

GeneDx
Classification: Benign. Last evaluated: 2021-08-12. Review status: criteria provided, single submitter. Criteria: GeneDx Variant Classification Process June 2021. Collection method: clinical testing. Allele origin: germline. Affected: yes.

Labcorp Genetics (formerly Invitae), Labcorp
Classification: Benign. Last evaluated: 2019-12-31. Review status: criteria provided, single submitter. Criteria: Invitae Variant Classification Sherloc (09022015). Collection method: clinical testing. Allele origin: germline.

Breakthrough Genomics
Classification: Benign. Review status: criteria provided, single submitter. Criteria: ACMG Guidelines, 2015. Collection method: not provided. Allele origin: germline. Inheritance: Autosomal dominant inheritance. Affected: yes.

PreventionGenetics, part of Exact Sciences
Classification: Benign for AGO2-related condition. Last evaluated: 2022-03-04. Review status: no assertion criteria provided. Collection method: clinical testing. Allele origin: germline. Not counted in ClinVar's aggregate classification.
Comment: This variant is classified as benign based on ACMG/AMP sequence variant interpretation guidelines (Richards et al. 2015 PMID: 25741868, with internal and published modifications).

NM_012154.5(AGO2):c.1403+9C>G

Gene: AGO2 (argonaute RISC catalytic component 2; minus strand). Cytogenetic location: 8q24.3.
Variant type: single nucleotide variant.
Coding change: c.1403+9C>G on transcript NM_012154.5 (MANE Select); 9 bases into the intron after coding-DNA position 1403, C replaced by G.
Molecular consequence: intron variant.
Genome position (GRCh38, 1-based): chr8:140,551,294, G>C on the plus strand (C>G on the coding strand, the complement: AGO2 is on the minus strand). VCF-style: chr8-140551294-G-C. GRCh37 (hg19) VCF-style: chr8-141561393-G-C.
Other names: c.1403+9C>G (NM_001164623.3).
Identifiers: ClinVar variation 768267 (VCV000768267.9), dbSNP rs2292779, ClinGen allele CA4894432.
Genomic context (GRCh38, chr8:140,551,294, plus strand): 5'-CAAGTGGTCACTTGAGCTGCCCATCGGGCAGCACCCCCAGGCCGGAGCCTCTGCCTGTGG[G>C]GGGCTTACTTCAGATGGACTTCCGTGCACTGGCGCTGGGGGGCGAAGCACGCAATGGCCC-3'